The following is an entry in ClinVar:

ClinVar aggregate classification (germline): Uncertain significance (1 of 4 stars; one submission).

Conditions:
Hereditary cancer-predisposing syndrome. Also called: Neoplastic Syndromes, Hereditary; Hereditary Cancer Syndrome; Hereditary neoplastic syndrome; Tumor predisposition. Identifiers: Orphanet 140162, MedGen C0027672, MeSH D009386, MONDO:0015356.

Submission:

Ambry Genetics
Classification: Uncertain significance for Hereditary cancer-predisposing syndrome. Last evaluated: 2023-03-20. Review status: criteria provided, single submitter. Criteria: Ambry Variant Classification Scheme 2023. Collection method: clinical testing. Allele origin: germline.
Comment: The p.N81S variant (also known as c.242A>G), located in coding exon 3 of the APC gene, results from an A to G substitution at nucleotide position 242. The asparagine at codon 81 is replaced by serine, an amino acid with highly similar properties. This amino acid position is not well conserved in available vertebrate species. In addition, in silico predictors for this gene do not accurately predict pathogenicity. Since supporting evidence is limited at this time, the clinical significance of this alteration remains unclear.

NM_000038.6(APC):c.242A>G (p.Asn81Ser)

Gene: APC (APC regulator of Wnt signaling pathway; plus strand). Cytogenetic location: 5q22.2.
Variant type: single nucleotide variant.
Coding change: c.242A>G on transcript NM_000038.6 (MANE Select); coding-DNA position 242, A replaced by G.
Protein change: p.Asn81Ser; replaces asparagine 81 with serine.
Molecular consequence: missense variant. On other transcripts: 5 prime UTR variant (4), non-coding transcript variant (2).
Genome position (GRCh38, 1-based): chr5:112,767,210, A>G. VCF-style: chr5-112767210-A-G. GRCh37 (hg19) VCF-style: chr5-112102907-A-G.
Other names: c.242A>G, p.Asn81Ser (NM_001127510.3, NM_001354895.2, NM_001354896.2 and 16 more transcripts); c.272A>G, p.Asn91Ser (NM_001127511.3, NM_001354897.2, NM_001354902.2 and 1 more transcripts); c.167A>G, p.Asn56Ser (NM_001354898.2, NM_001354904.2, NM_001407451.1); c.65A>G, p.Asn22Ser (NM_001354900.2, NM_001354901.2, NM_001354905.2 and 1 more transcripts); c.-794A>G (NM_001354906.2, NM_001407470.1, NM_001407471.1 and 1 more transcripts); short protein forms N91S, N22S, N56S, N81S.
Identifiers: ClinVar variation 2562357 (VCV002562357.2), dbSNP rs2149787688, ClinGen allele CA16021874.
Genomic context (GRCh38, chr5:112,767,210, plus strand): 5'-AGCAATTGTTGTATAAAAACTTGTTTCTATTTTATTTAGAGCTTAACTTAGATAGCAGTA[A>G]TTTCCCTGGAGTAAAACTGCGGTCAAAAATGTCCCTCCGTTCTTATGGAAGCCGGGAAGG-3'
Protein context (NP_000029.2, residues 71-91): RLKELNLDSS[Asn81Ser]FPGVKLRSKM